The following is an entry in ClinVar:

ClinVar aggregate classification (germline): Uncertain significance (1 of 4 stars; one submission).

Submission:

Labcorp Genetics (formerly Invitae), Labcorp
Classification: Uncertain significance. Last evaluated: 2023-09-10. Review status: criteria provided, single submitter. Criteria: Invitae Variant Classification Sherloc (09022015). Collection method: clinical testing. Allele origin: germline.
Comment: In summary, the available evidence is currently insufficient to determine the role of this variant in disease. Therefore, it has been classified as a Variant of Uncertain Significance. An algorithm developed to predict the effect of missense changes on protein structure and function (PolyPhen-2) suggests that this variant is likely to be tolerated. This variant has not been reported in the literature in individuals affected with NEXMIF-related conditions. This variant is not present in population databases (gnomAD no frequency). This sequence change replaces asparagine, which is neutral and polar, with serine, which is neutral and polar, at codon 1132 of the NEXMIF protein (p.Asn1132Ser).

NM_001008537.3(NEXMIF):c.3395A>G (p.Asn1132Ser)

Gene: NEXMIF (neurite extension and migration factor; minus strand). Cytogenetic location: Xq13.3.
Variant type: single nucleotide variant.
Coding change: c.3395A>G on transcript NM_001008537.3 (MANE Select); coding-DNA position 3395, A replaced by G.
Protein change: p.Asn1132Ser; replaces asparagine 1132 with serine.
Molecular consequence: missense variant.
Genome position (GRCh38, 1-based): chrX:74,741,162, T>C on the plus strand (A>G on the coding strand, the complement: NEXMIF is on the minus strand). VCF-style: chrX-74741162-T-C. GRCh37 (hg19) VCF-style: chrX-73960997-T-C.
Other names: short protein forms N1132S.
Identifiers: ClinVar variation 2759484 (VCV002759484.3), dbSNP rs2519912305, ClinGen allele CA413666051.